The following is an entry in ClinVar:

NM_004360.5(CDH1):c.2468C>T (p.Thr823Ile)

Gene: CDH1 (cadherin 1; plus strand). Cytogenetic location: 16q22.1.
Variant type: single nucleotide variant.
Coding change: c.2468C>T on transcript NM_004360.5 (MANE Select); coding-DNA position 2468, C replaced by T.
Protein change: p.Thr823Ile; replaces threonine 823 with isoleucine.
Molecular consequence: missense variant.
Genome position (GRCh38, 1-based): chr16:68,833,318, C>T. VCF-style: chr16-68833318-C-T. GRCh37 (hg19) VCF-style: chr16-68867221-C-T.
Other names: c.2285C>T, p.Thr762Ile (NM_001317184.2); c.920C>T, p.Thr307Ile (NM_001317185.2); c.503C>T, p.Thr168Ile (NM_001317186.2); short protein forms T307I, T168I, T823I, T762I.
Identifiers: ClinVar variation 961611 (VCV000961611.11), dbSNP rs1961533891, ClinGen allele CA396472039.

ClinVar aggregate classification (germline): Uncertain significance. Review status: criteria provided, multiple submitters, no conflicts (2 of 4 stars). 2 submissions from 2 submitters: Uncertain significance (2). Last evaluated 2024-11-05.

Conditions:
Familial cancer of breast. Also called: Hereditary breast cancer; BREAST CANCER, FAMILIAL; hereditary breast carcinoma. Identifiers: Orphanet 227535, MedGen C0346153, MONDO:0016419, OMIM 114480. Disease mechanism: loss of function.
Hereditary diffuse gastric adenocarcinoma (HDGC). Also called: DIFFUSE GASTRIC AND LOBULAR BREAST CANCER SYNDROME. Identifiers: Orphanet 26106, MedGen C1708349, MONDO:0007648, OMIM 137215.

Submissions (2):

Labcorp Genetics (formerly Invitae), Labcorp
Classification: Uncertain significance for Hereditary diffuse gastric adenocarcinoma. Last evaluated: 2024-11-05. Review status: criteria provided, single submitter. Criteria: Invitae Variant Classification Sherloc (09022015). Collection method: clinical testing. Allele origin: germline.
Comment: This sequence change replaces threonine, which is neutral and polar, with isoleucine, which is neutral and non-polar, at codon 823 of the CDH1 protein (p.Thr823Ile). This variant is not present in population databases (gnomAD no frequency). This variant has not been reported in the literature in individuals affected with CDH1-related conditions. ClinVar contains an entry for this variant (Variation ID: 961611). An algorithm developed to predict the effect of missense changes on protein structure and function (PolyPhen-2) suggests that this variant is likely to be disruptive. In summary, the available evidence is currently insufficient to determine the role of this variant in disease. Therefore, it has been classified as a Variant of Uncertain Significance.

Baylor Genetics
Classification: Uncertain significance for Familial cancer of breast. Last evaluated: 2023-10-31. Review status: criteria provided, single submitter. Criteria: ACMG Guidelines, 2015. Collection method: clinical testing. Allele origin: unknown.